The following is an entry in ClinVar:

NM_005559.4(LAMA1):c.538G>A (p.Val180Met)

Gene: LAMA1 (laminin subunit alpha 1; minus strand). Cytogenetic location: 18p11.31.
Variant type: single nucleotide variant.
Coding change: c.538G>A on transcript NM_005559.4 (MANE Select); coding-DNA position 538, G replaced by A.
Protein change: p.Val180Met; replaces valine 180 with methionine.
Molecular consequence: missense variant.
Genome position (GRCh38, 1-based): chr18:7,050,744, C>T on the plus strand (G>A on the coding strand, the complement: LAMA1 is on the minus strand). VCF-style: chr18-7050744-C-T. GRCh37 (hg19) VCF-style: chr18-7050743-C-T.
Other names: short protein forms V180M.
Identifiers: ClinVar variation 2430825 (VCV002430825.5), dbSNP rs1228934779, ClinGen allele CA401842523.
Genomic context (GRCh38, chr18:7,050,744, plus strand): 5'-CCATACCTACCTCTCCATGCTCAAGTGGCACCAATCTGGAATAATAGGAGGTGCAGATCA[C>T]TTCATCATCAGCCCTGTAGGTGGGTGGCCCTCGTCTTGGAGTTATATTGTAACGAGACAA-3'
Protein context (NP_005550.2, residues 170-190): GPPTYRADDE[Val180Met]ICTSYYSRLV

ClinVar aggregate classification (germline): Uncertain significance. Review status: criteria provided, multiple submitters, no conflicts (2 of 4 stars). 3 submissions from 3 submitters: Uncertain significance (3). Last evaluated 2025-08-30.

Conditions:
Inborn genetic diseases. Identifiers: MedGen C0950123, MeSH D030342.

Allele frequency attached by ClinVar (database versions not stated): gnomAD exomes below 0.00001; gnomAD 0.00001; TOPMed 0.00002.
gnomAD v4.1: 2 of 1,614,034 alleles (0.00012%); highest among the groups gnomAD compares: Admixed American, 0.0033%; no homozygotes.

Submissions (3):

Ambry Genetics
Classification: Uncertain significance for Inborn genetic diseases. Last evaluated: 2025-08-30. Review status: criteria provided, single submitter. Criteria: Ambry Variant Classification Scheme 2023. Collection method: clinical testing. Allele origin: germline.

Labcorp Genetics (formerly Invitae), Labcorp
Classification: Uncertain significance. Last evaluated: 2024-02-23. Review status: criteria provided, single submitter. Criteria: Invitae Variant Classification Sherloc (09022015). Collection method: clinical testing. Allele origin: germline.
Comment: This sequence change replaces valine, which is neutral and non-polar, with methionine, which is neutral and non-polar, at codon 180 of the LAMA1 protein (p.Val180Met). This variant is present in population databases (no rsID available, gnomAD 0.003%). This variant has not been reported in the literature in individuals affected with LAMA1-related conditions. ClinVar contains an entry for this variant (Variation ID: 2430825). An algorithm developed to predict the effect of missense changes on protein structure and function (PolyPhen-2) suggests that this variant is likely to be disruptive. In summary, the available evidence is currently insufficient to determine the role of this variant in disease. Therefore, it has been classified as a Variant of Uncertain Significance.

GeneDx
Classification: Uncertain significance. Last evaluated: 2022-08-25. Review status: criteria provided, single submitter. Criteria: GeneDx Variant Classification Process June 2021. Collection method: clinical testing. Allele origin: germline. Affected: yes.
Comment: Not observed at significant frequency in large population cohorts (gnomAD); In silico analysis supports that this missense variant does not alter protein structure/function; Has not been previously published as pathogenic or benign to our knowledge